The following is an entry in ClinVar:

NM_004035.7(ACOX1):c.1674A>T (p.Leu558Phe)

Gene: ACOX1 (acyl-CoA oxidase 1; minus strand). Cytogenetic location: 17q25.1.
Variant type: single nucleotide variant.
Coding change: c.1674A>T on transcript NM_004035.7 (MANE Select); coding-DNA position 1674, A replaced by T.
Protein change: p.Leu558Phe; replaces leucine 558 with phenylalanine.
Molecular consequence: missense variant.
Genome position (GRCh38, 1-based): chr17:75,949,271, T>A on the plus strand (A>T on the coding strand, the complement: ACOX1 is on the minus strand). VCF-style: chr17-75949271-T-A. GRCh37 (hg19) VCF-style: chr17-73945352-T-A.
Other names: c.1560A>T, p.Leu520Phe (NM_001185039.2); c.1674A>T, p.Leu558Phe (NM_007292.6); short protein forms L520F, L558F.
Identifiers: ClinVar variation 4072244 (VCV004072244.1).
Genomic context (GRCh38, chr17:75,949,271, plus strand): 5'-ACTGACCTGAAGGAAATCCCCCGCGTTCTGACTGATTCCATACAGAGAATACAGCAGACA[T>A]AAACTCCTTAAGACAGCTTGAATGGCTTTATCTTGAATTTTGAGGAGTTTTTCTGAAAAG-3'
Protein context (NP_004026.2, residues 548-568): DKAIQAVLRS[Leu558Phe]CLLYSLYGIS

ClinVar aggregate classification (germline): Uncertain significance (1 of 4 stars; one submission).

Conditions:
Mitchell syndrome. Identifiers: Orphanet 631248, MedGen C5394554, MONDO:0030073, OMIM 618960.

Submission:

Next Generation Genetic Polyclinic
Classification: Uncertain significance for Mitchell syndrome. Last evaluated: 2025-03-05. Review status: criteria provided, single submitter. Criteria: ACMG Guidelines, 2015. Collection method: clinical testing. Allele origin: de novo. Affected: yes.
Comment: Our classification of this variant is based on the ACMG guidelines. The variant is extremely rare or absent in population databases, aligning with the proband’s clinical phenotype.